The following is an entry in ClinVar:

NM_001135995.2(ATXN3L):c.763A>G (p.Met255Val)

Genes: ATXN3L (ataxin 3 like; minus strand), GS1-600G8.3 (unknown transcript; plus strand). Cytogenetic location: Xp22.2.
Variant type: single nucleotide variant.
Coding change: c.763A>G on transcript NM_001135995.2 (MANE Select); coding-DNA position 763, A replaced by G.
Protein change: p.Met255Val; replaces methionine 255 with valine.
Molecular consequence: missense variant. On other transcripts: non-coding transcript variant (1).
Genome position (GRCh38, 1-based): chrX:13,319,172, T>C on the plus strand (A>G on the coding strand, the complement: ATXN3L is on the minus strand). VCF-style: chrX-13319172-T-C. GRCh37 (hg19) VCF-style: chrX-13337291-T-C.
Other names: c.499A>G, p.Met167Val (NM_001387036.1); c.763A>G (NM_001135995.1); short protein forms M167V, M255V.
Identifiers: ClinVar variation 2660023 (VCV002660023.25), dbSNP rs376072867, ClinGen allele CA10350704.

ClinVar aggregate classification (germline): Conflicting classifications of pathogenicity. Review status: criteria provided, conflicting classifications (1 of 4 stars). 2 submissions from 2 submitters: Uncertain significance (1); Likely benign (1). Last evaluated 2024-02-28.

Allele frequency attached by ClinVar (database versions not stated): gnomAD 0.00005; TOPMed 0.00008; ESP Exome Variant Server 0.00012; ExAC 0.00014; gnomAD exomes 0.00019.
gnomAD v4.1: 209 of 1,210,229 alleles (0.017%); highest among the groups gnomAD compares: South Asian, 0.076%; no homozygotes.

Submissions (2):

Ambry Genetics
Classification: Uncertain significance. Last evaluated: 2024-02-28. Review status: criteria provided, single submitter. Criteria: Ambry Variant Classification Scheme 2023. Collection method: clinical testing. Allele origin: germline.

CeGaT Center for Human Genetics Tuebingen
Classification: Likely benign. Last evaluated: 2023-04-01. Review status: criteria provided, single submitter. Criteria: CeGaT Center For Human Genetics Tuebingen Variant Classification Criteria Version 2. Collection method: clinical testing. Allele origin: germline. Affected: yes. Observed: 1 variant allele.
Comment: ATXN3L: BP4, BS2; GS1-600G8.3: BS2